The following is an entry in ClinVar:

ClinVar aggregate classification (germline): Pathogenic (1 of 4 stars; one submission).

Conditions:
KBG syndrome (KBGS). Also called: ANKRD11-Related KBG Syndrome. Identifiers: Orphanet 2332, MedGen C0220687, MONDO:0007846, OMIM 148050.

Submission:

Labcorp Genetics (formerly Invitae), Labcorp
Classification: Pathogenic for KBG syndrome. Last evaluated: 2022-03-21. Review status: criteria provided, single submitter. Criteria: Invitae Variant Classification Sherloc (09022015). Collection method: clinical testing. Allele origin: germline.
Comment: This variant has not been reported in the literature in individuals affected with ANKRD11-related conditions. This sequence change creates a premature translational stop signal (p.Lys93Trpfs*62) in the ANKRD11 gene. It is expected to result in an absent or disrupted protein product. Loss-of-function variants in ANKRD11 are known to be pathogenic (PMID: 21782149, 25125236, 25413698, 25652421). This variant is not present in population databases (gnomAD no frequency). For these reasons, this variant has been classified as Pathogenic.

Literature cited by the submitters: PubMed 21782149; PubMed 25125236; PubMed 25413698; PubMed 25652421.

NM_013275.6(ANKRD11):c.276_292del (p.Lys93fs)

Gene: ANKRD11 (ankyrin repeat domain 11; minus strand). Cytogenetic location: 16q24.3.
Variant type: Deletion.
Coding change: c.276_292del on transcript NM_013275.6 (MANE Select); coding-DNA positions 276 to 292, 17 bases deleted (GAAGGCCGGGCTGCTGT).
Protein change: p.Lys93fs; shifts the reading frame from lysine 93.
Molecular consequence: frameshift variant. On other transcripts: non-coding transcript variant (1).
Genome position (GRCh38, 1-based): chr16:89,291,118-89,291,134, ACAGCAGCCCGGCCTTC deleted on the plus strand (GAAGGCCGGGCTGCTGT on the coding strand, the reverse complement: ANKRD11 is on the minus strand). VCF-style (leftmost placement, unchanged base first): chr16-89291117-AACAGCAGCCCGGCCTTC-A. GRCh37 (hg19) VCF-style: chr16-89357525-AACAGCAGCCCGGCCTTC-A.
Other names: c.276_292del, p.Lys93fs (NM_001256182.2, NM_001256183.2); short protein forms K93fs.
Identifiers: ClinVar variation 2115686 (VCV002115686.4), dbSNP rs2544309527, ClinGen allele CA2580092294.
Genomic context (GRCh38, chr16:89,291,117, plus strand): 5'-GCCACCTGCTGGCGCTCGGAGAGGGGGTAGCCGGCTCGGATTCCAGACAGCCCCATGCCA[AACAGCAGCCCGGCCTTC>A]CGGGTGACAGGCTCCTTCTTAATCCTCTTCCGCTCAGGGCCCTGCTTCTCTGTGAGGCGG-3'